The following is an entry in ClinVar:

NM_000256.3(MYBPC3):c.1091-14G>A

Gene: MYBPC3 (myosin binding protein C3; minus strand). Cytogenetic location: 11p11.2.
Variant type: single nucleotide variant.
Coding change: c.1091-14G>A on transcript NM_000256.3 (MANE Select); 14 bases into the intron before coding-DNA position 1091, G replaced by A.
Molecular consequence: intron variant.
Genome position (GRCh38, 1-based): chr11:47,343,638, C>T on the plus strand (G>A on the coding strand, the complement: MYBPC3 is on the minus strand). VCF-style: chr11-47343638-C-T. GRCh37 (hg19) VCF-style: chr11-47365189-C-T.
Identifiers: ClinVar variation 2773753 (VCV002773753.2), dbSNP rs1236515238, ClinGen allele CA677001890.

ClinVar aggregate classification (germline): Uncertain significance (1 of 4 stars; one submission).

Conditions:
Cardiomyopathy (CMYO). Also called: Cardiomyopathies. Identifiers: Orphanet 167848, MedGen C0878544, MONDO:0004994, HP:0001638. Inheritance: Various modes of inheritance.

Allele frequency attached by ClinVar (database versions not stated): TOPMed below 0.00001.

Submission:

Color Diagnostics, LLC DBA Color Health
Classification: Uncertain significance for Cardiomyopathy. Last evaluated: 2021-09-20. Review status: criteria provided, single submitter. Criteria: ACMG Guidelines, 2015. Collection method: clinical testing. Allele origin: germline.
Comment: This variant causes a G to A nucleotide substitution at the -14 position of intron 12 of the MYBPC3 gene. Splice prediction tools and conservation analysis are inconclusive regarding the impact of this variant on RNA splicing. To our knowledge, functional studies have not been reported for this variant. This variant has not been reported in individuals affected with cardiovascular disorders in the literature. This variant has not been identified in the general population by the Genome Aggregation Database (gnomAD). The available evidence is insufficient to determine the role of this variant in disease conclusively. Therefore, this variant is classified as a Variant of Uncertain Significance.